The following is an entry in ClinVar:

NM_001015877.2(PHF6):c.407A>G (p.His136Arg)

Gene: PHF6 (PHD finger protein 6; plus strand). Cytogenetic location: Xq26.2.
Variant type: single nucleotide variant.
Coding change: c.407A>G on transcript NM_001015877.2 (MANE Select); coding-DNA position 407, A replaced by G.
Protein change: p.His136Arg; replaces histidine 136 with arginine.
Molecular consequence: missense variant.
Genome position (GRCh38, 1-based): chrX:134,393,941, A>G. VCF-style: chrX-134393941-A-G. GRCh37 (hg19) VCF-style: chrX-133527971-A-G.
Other names: c.407A>G, p.His136Arg (NM_032335.3, NM_032458.3); c.407A>G (NM_032458.2); short protein forms H136R.
Identifiers: ClinVar variation 2189768 (VCV002189768.11), dbSNP rs774353684, ClinGen allele CA10521212.

ClinVar aggregate classification (germline): Conflicting classifications of pathogenicity. Review status: criteria provided, conflicting classifications (1 of 4 stars). 4 submissions from 4 submitters: Uncertain significance (2); Benign (1); Likely benign (1). Last evaluated 2025-05-22.

Conditions:
PHF6-related disorder. Also called: PHF6-related condition.
Borjeson-Forssman-Lehmann syndrome (BFLS). Also called: MENTAL RETARDATION, X-LINKED, SYNDROMIC, BORJESON-FORSSMAN-LEHMANN TYPE; MENTAL RETARDATION, EPILEPSY, AND ENDOCRINE DISORDERS; BORJESON SYNDROME. Identifiers: Orphanet 127, MedGen C0265339, MONDO:0010537, OMIM 301900.
Inborn genetic diseases. Identifiers: MedGen C0950123, MeSH D030342.

Allele frequency attached by ClinVar (database versions not stated): gnomAD exomes 0.00001; ExAC 0.00002; TOPMed 0.00002; gnomAD 0.00001.
gnomAD v4.1: 9 of 1,208,999 alleles (0.00074%); highest among the groups gnomAD compares: South Asian, 0.014%; no homozygotes.

Submissions (5):

Labcorp Genetics (formerly Invitae), Labcorp
Classification: Benign for Borjeson-Forssman-Lehmann syndrome. Last evaluated: 2025-05-22. Review status: criteria provided, single submitter. Criteria: Invitae Variant Classification Sherloc (09022015). Collection method: clinical testing. Allele origin: germline.

PreventionGenetics, part of Exact Sciences
Classification: Likely benign for PHF6-related condition. Last evaluated: 2024-10-23. Review status: criteria provided, single submitter. Criteria: ACMG Guidelines, 2015. Collection method: clinical testing. Allele origin: germline.
Comment: This variant is classified as likely benign based on ACMG/AMP sequence variant interpretation guidelines (Richards et al. 2015 PMID: 25741868, with internal and published modifications).

Fulgent Genetics
Classification: Uncertain significance for Borjeson-Forssman-Lehmann syndrome. Last evaluated: 2024-02-19. Review status: criteria provided, single submitter. Criteria: ACMG Guidelines, 2015. Collection method: clinical testing. Allele origin: germline.

Ambry Genetics
Classification: Uncertain significance for Inborn genetic diseases. Last evaluated: 2023-06-15. Review status: criteria provided, single submitter. Criteria: Ambry Variant Classification Scheme 2023. Collection method: clinical testing. Allele origin: germline.

Dr. Peter K. Rogan Lab, Western University
No classification provided (evidence only). Condition: Nonpapillary renal cell carcinoma. Review status: no classification provided. Collection method: in vitro. Allele origin: not applicable. Functional consequence: retained intron. Not counted in ClinVar's aggregate classification.